The following is an entry in ClinVar:

NM_000127.3(EXT1):c.1537A>G (p.Ile513Val)

Gene: EXT1 (exostosin glycosyltransferase 1; minus strand). Cytogenetic location: 8q24.11.
Variant type: single nucleotide variant.
Coding change: c.1537A>G on transcript NM_000127.3 (MANE Select); coding-DNA position 1537, A replaced by G.
Protein change: p.Ile513Val; replaces isoleucine 513 with valine.
Molecular consequence: missense variant.
Genome position (GRCh38, 1-based): chr8:117,818,530, T>C on the plus strand (A>G on the coding strand, the complement: EXT1 is on the minus strand). VCF-style: chr8-117818530-T-C. GRCh37 (hg19) VCF-style: chr8-118830769-T-C.
Other names: short protein forms I513V.
Identifiers: ClinVar variation 2185934 (VCV002185934.4), dbSNP rs1188968853, ClinGen allele CA371883572.
Genomic context (GRCh38, chr8:117,818,530, plus strand): 5'-CAGTGGCAGGCCAGCGGTGTTTGGCTGGTAGGGGCTTGTCACAATTCCATAGAACTATGA[T>C]CTGAAAGGGATGGGGCTCATTAGATGGCTGGGGTAGGATGTATTTATGTATGCCTCCAAC-3'
Protein context (NP_000118.2, residues 503-523): AAAKSQYCAQ[Ile513Val]IVLWNCDKPL

ClinVar aggregate classification (germline): Uncertain significance (1 of 4 stars; one submission).

Conditions:
Multiple congenital exostosis (EXT). Also called: Multiple osteochondromas; Hereditary multiple osteochondromas; Hereditary multiple exostoses; Hereditary multiple exostosis; MULTIPLE CARTILAGINOUS EXOSTOSES; Multiple exostoses. Identifiers: Orphanet 321, MedGen C0015306, MONDO:0005508, HP:0002762.

Allele frequency attached by ClinVar (database versions not stated): gnomAD exomes 0.00002.
gnomAD v4.1: 22 of 1,613,310 alleles (0.0014%); highest among the groups gnomAD compares: Non-Finnish European, 0.0019%; no homozygotes.

Submission:

Labcorp Genetics (formerly Invitae), Labcorp
Classification: Uncertain significance for Multiple congenital exostosis. Last evaluated: 2025-01-15. Review status: criteria provided, single submitter. Criteria: Invitae Variant Classification Sherloc (09022015). Collection method: clinical testing. Allele origin: germline.
Comment: This sequence change replaces isoleucine, which is neutral and non-polar, with valine, which is neutral and non-polar, at codon 513 of the EXT1 protein (p.Ile513Val). This variant is present in population databases (no rsID available, gnomAD 0.0009%). This variant has not been reported in the literature in individuals affected with EXT1-related conditions. ClinVar contains an entry for this variant (Variation ID: 2185934). An algorithm developed to predict the effect of missense changes on protein structure and function (PolyPhen-2) suggests that this variant is likely to be tolerated. In summary, the available evidence is currently insufficient to determine the role of this variant in disease. Therefore, it has been classified as a Variant of Uncertain Significance.